The following is an entry in ClinVar:

NM_016592.5(GNAS):c.16C>T (p.Arg6Trp)

Genes: GNAS (GNAS complex locus; plus strand), GNAS-AS1 (GNAS antisense RNA 1; minus strand). Cytogenetic location: 20q13.32.
Variant type: single nucleotide variant.
Coding change: c.16C>T on transcript NM_016592.5 (MANE Plus Clinical); coding-DNA position 16, C replaced by T.
Protein change: p.Arg6Trp; replaces arginine 6 with tryptophan.
Molecular consequence: missense variant. On other transcripts: 5 prime UTR variant (1).
Genome position (GRCh38, 1-based): chr20:58,840,122, C>T. VCF-style: chr20-58840122-C-T. GRCh37 (hg19) VCF-style: chr20-57415177-C-T.
Other names: c.-722C>T (NM_001410912.1); short protein forms R6W.
Identifiers: ClinVar variation 4983993 (VCV004983993.1).

ClinVar aggregate classification (germline): Uncertain significance (1 of 4 stars; one submission).

Conditions:
GNAS-related disorder. Identifiers: MedGen CN380105.

gnomAD v4.1: 6 of 1,611,188 alleles (0.00037%); highest among the groups gnomAD compares: African/African-American, 0.0027%; no homozygotes.

Submission:

PreventionGenetics, part of Exact Sciences
Classification: Uncertain significance for GNAS-related condition. Last evaluated: 2024-12-02. Review status: criteria provided, single submitter. Criteria: ACMG Guidelines, 2015. Collection method: clinical testing. Allele origin: germline.
Comment: The GNAS c.16C>T variant is predicted to result in the amino acid substitution p.Arg6Trp. This variant is also reported as c.-51605C>T with the more commonly reported NM_000516.5 transcript isoform. To our knowledge, this variant has not been reported in the literature. This variant is reported in 0.010% of alleles in individuals of Ashkenazi Jewish descent in gnomAD. At this time, the clinical significance of this variant is uncertain due to the absence of conclusive functional and genetic evidence.